The following is an entry in ClinVar:

ClinVar aggregate classification (germline): Uncertain significance. Review status: criteria provided, single submitter (1 of 4 stars). 2 submissions from 2 submitters: Uncertain significance (1). 1 of the submissions does not count toward it. Last evaluated 2022-06-02.

Conditions:
PMM2-congenital disorder of glycosylation. Also called: JAEKEN SYNDROME; PHOSPHOMANNOMUTASE 2 DEFICIENCY; CARBOHYDRATE-DEFICIENT GLYCOPROTEIN SYNDROME, TYPE Ia; CDG Ia; Congenital disorder of glycosylation, type Ia; PMM2-CDG. Identifiers: Orphanet 79318, MedGen C0349653, MONDO:0008907, OMIM 212065.

Allele frequency attached by ClinVar (database versions not stated): gnomAD 0.00001; ExAC 0.00001; gnomAD exomes 0.00001 and 0.00002; TOPMed 0.00001.
gnomAD v4.1: 29 of 1,612,320 alleles (0.0018%); highest among the groups gnomAD compares: Non-Finnish European, 0.0024%; no homozygotes.

Submissions (2):

Labcorp Genetics (formerly Invitae), Labcorp
Classification: Uncertain significance for PMM2-congenital disorder of glycosylation. Last evaluated: 2022-06-02. Review status: criteria provided, single submitter. Criteria: Invitae Variant Classification Sherloc (09022015). Collection method: clinical testing. Allele origin: germline.
Comment: This sequence change replaces valine, which is neutral and non-polar, with aspartic acid, which is acidic and polar, at codon 182 of the PMM2 protein (p.Val182Asp). This variant is present in population databases (rs774532663, gnomAD 0.002%). This variant has not been reported in the literature in individuals affected with PMM2-related conditions. ClinVar contains an entry for this variant (Variation ID: 642547). Advanced modeling of protein sequence and biophysical properties (such as structural, functional, and spatial information, amino acid conservation, physicochemical variation, residue mobility, and thermodynamic stability) performed at Invitae indicates that this missense variant is expected to disrupt PMM2 protein function. In summary, the available evidence is currently insufficient to determine the role of this variant in disease. Therefore, it has been classified as a Variant of Uncertain Significance.

Natera, Inc.
Classification: Uncertain significance for Congenital disorder of glycosylation type 1a. Last evaluated: 2021-02-24. Review status: no assertion criteria provided. Collection method: clinical testing. Allele origin: germline. Not counted in ClinVar's aggregate classification.

NM_000303.3(PMM2):c.545T>A (p.Val182Asp)

Gene: PMM2 (phosphomannomutase 2; plus strand). Cytogenetic location: 16p13.2.
Variant type: single nucleotide variant.
Coding change: c.545T>A on transcript NM_000303.3 (MANE Select); coding-DNA position 545, T replaced by A.
Protein change: p.Val182Asp; replaces valine 182 with aspartic acid.
Molecular consequence: missense variant.
Genome position (GRCh38, 1-based): chr16:8,813,012, T>A. VCF-style: chr16-8813012-T-A. GRCh37 (hg19) VCF-style: chr16-8906869-T-A.
Other names: short protein forms V182D.
Identifiers: ClinVar variation 642547 (VCV000642547.7), dbSNP rs774532663, ClinGen allele CA7894129.